The following is an entry in ClinVar:

ClinVar aggregate classification (germline): Uncertain significance (1 of 4 stars; one submission).

Conditions:
Polycystic kidney disease, adult type (PKD1). Also called: Polycystic Kidney Disease 1, Autosomal Dominant; Polycystic kidney disease 1; Polycystic kidney disease 1, severe; Polycystic Kidney, Autosomal Dominant; POLYCYSTIC KIDNEY DISEASE 1 WITH OR WITHOUT POLYCYSTIC LIVER DISEASE; POLYCYSTIC KIDNEY DISEASE, ADULT, TYPE I. Identifiers: MedGen C3149841, MONDO:0008263, OMIM 173900.

gnomAD v4.1: 7 of 1,612,686 alleles (0.00043%); highest among the groups gnomAD compares: Non-Finnish European, 0.00059%; no homozygotes.

Submission:

Victorian Clinical Genetics Services, Murdoch Childrens Research Institute
Classification: Uncertain significance for Polycystic kidney disease, adult type. Last evaluated: 2022-03-31. Review status: criteria provided, single submitter. Criteria: ACMG Guidelines, 2015. Collection method: clinical testing. Allele origin: germline. Inheritance: Autosomal dominant inheritance. Affected: yes.
Comment: Based on the classification scheme VCGS_Germline_v1.3.4, this variant is classified as VUS-3B. Following criteria are met: 0102 - Loss of function is a known mechanism of disease in this gene and is associated with polycystic kidney disease 1 (MIM#173900). (I) 0107 - This gene is associated with autosomal dominant disease. Polycystic kidney disease 1 (MIM#173900) is predominantly caused by monoallelic variants, with rare reports of biallelic variants causing disease (OMIM). (I) 0200 - Variant is predicted to result in a missense amino acid change from alanine to proline. (I) 0251 - This variant is heterozygous. (I) 0301 - Variant is absent from gnomAD (both v2 and v3). (SP) 0309 - An alternative amino acid change at the same position has been observed in gnomAD (v3) (2 heterozygotes, 0 homozygotes). (I) 0503 - Missense variant consistently predicted to be tolerated by multiple in silico tools or not conserved in placental mammals with a minor amino acid change. (SB) 0600 - Variant is located in the annotated polycystin cation chanel (DECIPHER). (I) 0705 - No comparable missense variants have previous evidence for pathogenicity. (I) 0807 - This variant has no previous evidence of pathogenicity. (I) 0905 - No published segregation evidence has been identified for this variant. (I) 1007 - No published functional evidence has been identified for this variant. (I) 1208 - Inheritance information for this variant is not currently available in this individual. (I) Legend: (SP) - Supporting pathogenic, (I) - Information, (SB) - Supporting benign

NM_001009944.3(PKD1):c.12334G>C (p.Ala4112Pro)

Gene: PKD1 (polycystin 1, transient receptor potential channel interacting; minus strand). Cytogenetic location: 16p13.3.
Variant type: single nucleotide variant.
Coding change: c.12334G>C on transcript NM_001009944.3 (MANE Select); coding-DNA position 12334, G replaced by C.
Protein change: p.Ala4112Pro; replaces alanine 4112 with proline.
Molecular consequence: missense variant.
Genome position (GRCh38, 1-based): chr16:2,090,395, C>G on the plus strand (G>C on the coding strand, the complement: PKD1 is on the minus strand). VCF-style: chr16-2090395-C-G. GRCh37 (hg19) VCF-style: chr16-2140396-C-G.
Other names: c.12331G>C, p.Ala4111Pro (NM_000296.4); short protein forms A4111P, A4112P.
Identifiers: ClinVar variation 1805401 (VCV001805401.1), dbSNP rs762207724, ClinGen allele CA394325308.